The following is an entry in ClinVar:

ClinVar aggregate classification (germline): Uncertain significance (1 of 4 stars; one submission).

Conditions:
Leukoencephalopathy with brain stem and spinal cord involvement-high lactate syndrome (LBSL). Also called: Leukoencephalopathy with Brainstem and Spinal Cord Involvement and Lactate Elevation; MITOCHONDRIAL ASPARTYL-tRNA SYNTHETASE DEFICIENCY; LEUKOENCEPHALOPATHY WITH BRAINSTEM AND SPINAL CORD INVOLVEMENT AND LACTATE ELEVATION, MILD. Identifiers: Orphanet 137898, MedGen C1970180, MONDO:0012622, OMIM 611105.

Submission:

Broad Center for Mendelian Genomics, Broad Institute of MIT and Harvard
Classification: Uncertain significance for Leukoencephalopathy with brain stem and spinal cord involvement-high lactate syndrome. Last evaluated: 2025-01-22. Review status: criteria provided, single submitter. Criteria: ACMG Guidelines, 2015. Collection method: curation. Allele origin: germline. Inheritance: Autosomal recessive inheritance.
Comment: The p.Tyr629Cys variant in DARS2 has been reported, in the compound heterozygous state, in 2 siblings with leukoencephalopathy with brain stem and spinal cord involvement-high lactate syndrome (PMID:17384640), and has been identified in 0.004% (2/44882) of East Asian chromosomes by the Genome Aggregation Database (gnomAD; dbSNP rs761675657). Although this variant has been seen in the general population in a heterozygous state, its frequency is low enough to be consistent with a recessive carrier frequency. Computational prediction tools and conservation analyses suggest that this variant may impact the protein, though this information is not predictive enough to determine pathogenicity. In summary, the clinical significance of the p.Tyr629Cys variant is uncertain. ACMG/AMP Criteria applied: PP3_moderate, PM2_supporting (Richards 2015).

NM_018122.5(DARS2):c.1886A>G (p.Tyr629Cys)

Gene: DARS2 (aspartyl-tRNA synthetase 2, mitochondrial; plus strand). Cytogenetic location: 1q25.1.
Variant type: single nucleotide variant.
Coding change: c.1886A>G on transcript NM_018122.5 (MANE Select); coding-DNA position 1886, A replaced by G.
Protein change: p.Tyr629Cys; replaces tyrosine 629 with cysteine.
Molecular consequence: missense variant.
Genome position (GRCh38, 1-based): chr1:173,857,653, A>G. VCF-style: chr1-173857653-A-G. GRCh37 (hg19) VCF-style: chr1-173826791-A-G.
Other names: NM_018122.5:c.1886A>G; c.1733A>G, p.Tyr578Cys (NM_001365212.1); short protein forms Y578C, Y629C.
Identifiers: ClinVar variation 3776829 (VCV003776829.1).
Genomic context (GRCh38, chr1:173,857,653, plus strand): 5'-GGGGACATGACCTCATGAGCAATACCCCAGATTCTGTCCCTCCTGAGGAACTGAAGCCCT[A>G]TCATATCCGAGTCTCCAAGCCAACAGACTCCAAAGCAGAAAGAGCTCATTGAATCATGCA-3'
Protein context (NP_060592.2, residues 619-639): DSVPPEELKP[Tyr629Cys]HIRVSKPTDS